The following is an entry in ClinVar:

ClinVar aggregate classification (germline): Likely benign. Review status: criteria provided, multiple submitters, no conflicts (2 of 4 stars). 2 submissions from 2 submitters: Likely benign (2). Last evaluated 2024-08-10.

Allele frequency attached by ClinVar (database versions not stated): TOPMed below 0.00001; gnomAD exomes 0.00001; ExAC 0.00002; ESP Exome Variant Server 0.00008.
gnomAD v4.1: 11 of 1,613,526 alleles (0.00068%); highest among the groups gnomAD compares: Non-Finnish European, 0.00093%; no homozygotes.

Submissions (2):

Labcorp Genetics (formerly Invitae), Labcorp
Classification: Likely benign. Last evaluated: 2024-08-10. Review status: criteria provided, single submitter. Criteria: Invitae Variant Classification Sherloc (09022015). Collection method: clinical testing. Allele origin: germline.

GeneDx
Classification: Likely benign. Last evaluated: 2016-09-08. Review status: criteria provided, single submitter. Criteria: GeneDx Variant Classification (06012015). Collection method: clinical testing. Allele origin: germline. Affected: yes.
Comment: This variant is considered likely benign or benign based on one or more of the following criteria: it is a conservative change, it occurs at a poorly conserved position in the protein, it is predicted to be benign by multiple in silico algorithms, and/or has population frequency not consistent with disease.

NM_032380.5(GFM2):c.1806T>A (p.Ser602=)

Gene: GFM2 (GTP dependent ribosome recycling factor mitochondrial 2; minus strand). Cytogenetic location: 5q13.3.
Variant type: single nucleotide variant.
Coding change: c.1806T>A on transcript NM_032380.5 (MANE Select); coding-DNA position 1806, T replaced by A.
Protein change: p.Ser602=; no amino-acid change (serine 602 retained).
Molecular consequence: synonymous variant. On other transcripts: non-coding transcript variant (1).
Genome position (GRCh38, 1-based): chr5:74,726,047, A>T on the plus strand (T>A on the coding strand, the complement: GFM2 is on the minus strand). VCF-style: chr5-74726047-A-T. GRCh37 (hg19) VCF-style: chr5-74021872-A-T.
Other names: c.1902T>A, p.Ser634= (NM_001281302.2); c.1665T>A, p.Ser555= (NM_170691.3).
Identifiers: ClinVar variation 389015 (VCV000389015.8), dbSNP rs369168318, ClinGen allele CA3306427.
Genomic context (GRCh38, chr5:74,726,047, plus strand): 5'-GACCTTCAAAAGGCCTTCATTGATACTTTCAGCATACTCAAACTCAATCACAGGCATAAC[A>T]GATGATGTTTCAATTGGCCTTGCTTCCACTTCTACAGTCACAAGATGCCTTTTGTCTCCT-3'
Protein context (NP_115756.2, residues 592-612): EVEARPIETS[Ser602=]VMPVIEFEYA